The following is an entry in ClinVar:

ClinVar aggregate classification (germline): Uncertain significance. Review status: criteria provided, multiple submitters, no conflicts (2 of 4 stars). 4 submissions from 4 submitters: Uncertain significance (4). Last evaluated 2025-12-17.

Conditions:
Hereditary cancer-predisposing syndrome. Also called: Hereditary neoplastic syndrome; Tumor predisposition; Hereditary Cancer Syndrome; Neoplastic Syndromes, Hereditary. Identifiers: Orphanet 140162, MedGen C0027672, MeSH D009386, MONDO:0015356.
Gorlin syndrome. Also called: Nevoid Basal Cell Carcinoma Syndrome; Basal cell nevus syndrome. Identifiers: Orphanet 377, MedGen C0004779, MONDO:0007187.
Basal cell carcinoma, susceptibility to, 1. Also called: BCC1. Identifiers: MedGen C2751544, MONDO:0011556, OMIM 605462.

Allele frequency attached by ClinVar (database versions not stated): TOPMed below 0.00001.

Submissions (4):

Labcorp Genetics (formerly Invitae), Labcorp
Classification: Uncertain significance for Gorlin syndrome. Last evaluated: 2025-12-17. Review status: criteria provided, single submitter. Criteria: Invitae Variant Classification Sherloc (09022015). Collection method: clinical testing. Allele origin: germline.
Comment: This sequence change replaces isoleucine, which is neutral and non-polar, with valine, which is neutral and non-polar, at codon 94 of the PTCH1 protein (p.Ile94Val). This variant is not present in population databases (gnomAD no frequency). This variant has not been reported in the literature in individuals affected with PTCH1-related conditions. ClinVar contains an entry for this variant (Variation ID: 1423107). Invitae Evidence Modeling of protein sequence and biophysical properties (such as structural, functional, and spatial information, amino acid conservation, physicochemical variation, residue mobility, and thermodynamic stability) has been performed for this missense variant. However, the output from this modeling did not meet the statistical confidence thresholds required to predict the impact of this variant on PTCH1 protein function. In summary, the available evidence is currently insufficient to determine the role of this variant in disease. Therefore, it has been classified as a Variant of Uncertain Significance.

Ambry Genetics
Classification: Uncertain significance for Hereditary cancer-predisposing syndrome. Last evaluated: 2024-04-05. Review status: criteria provided, single submitter. Criteria: Ambry Variant Classification Scheme 2023. Collection method: clinical testing. Allele origin: germline.
Comment: The p.I94V variant (also known as c.280A>G), located in coding exon 2 of the PTCH1 gene, results from an A to G substitution at nucleotide position 280. The isoleucine at codon 94 is replaced by valine, an amino acid with highly similar properties. This amino acid position is conserved. In addition, the in silico prediction for this alteration is inconclusive. Since supporting evidence is limited at this time, the clinical significance of this alteration remains unclear.

Baylor Genetics
Classification: Uncertain significance for Basal cell carcinoma, susceptibility to, 1. Last evaluated: 2023-05-06. Review status: criteria provided, single submitter. Criteria: ACMG Guidelines, 2015. Collection method: clinical testing. Allele origin: unknown.

Revvity Omics, Revvity
Classification: Uncertain significance. Last evaluated: 2021-03-19. Review status: criteria provided, single submitter. Criteria: ACMG Guidelines, 2015. Collection method: clinical testing. Allele origin: germline.

NM_000264.5(PTCH1):c.280A>G (p.Ile94Val)

Gene: PTCH1 (patched 1; minus strand). Cytogenetic location: 9q22.32.
Variant type: single nucleotide variant.
Coding change: c.280A>G on transcript NM_000264.5 (MANE Select); coding-DNA position 280, A replaced by G.
Protein change: p.Ile94Val; replaces isoleucine 94 with valine.
Molecular consequence: missense variant. On other transcripts: 5 prime UTR variant (4), non-coding transcript variant (1).
Genome position (GRCh38, 1-based): chr9:95,506,521, T>C on the plus strand (A>G on the coding strand, the complement: PTCH1 is on the minus strand). VCF-style: chr9-95506521-T-C. GRCh37 (hg19) VCF-style: chr9-98268803-T-C.
Other names: c.82A>G, p.Ile28Val (NM_001083602.3, NM_001354919.2); c.277A>G, p.Ile93Val (NM_001083603.3); c.-174A>G (NM_001083604.3, NM_001083605.3, NM_001083606.3 and 1 more transcripts); c.280A>G, p.Ile94Val (NM_001354918.2); short protein forms I28V, I94V, I93V.
Identifiers: ClinVar variation 1423107 (VCV001423107.14), dbSNP rs1843660253, ClinGen allele CA374120375.